The following is an entry in ClinVar:

ClinVar aggregate classification (germline): Conflicting classifications of pathogenicity. Review status: criteria provided, conflicting classifications (1 of 4 stars). 3 submissions from 3 submitters: Uncertain significance (2); Benign (1). Last evaluated 2022-09-14.

Conditions:
Cleidocranial dysostosis (CLCD1). Also called: Marie-Sainton disease; cleidocranial dysplasia 1; Cleidocranial Dysplasia Spectrum Disorder. Identifiers: Orphanet 1452, MedGen C0008928, MONDO:0007340, OMIM 119600.
Inborn genetic diseases. Identifiers: MedGen C0950123, MeSH D030342.

Allele frequency attached by ClinVar (database versions not stated): gnomAD exomes 0.00002; ExAC 0.00003; TOPMed 0.00006.
gnomAD v4.1: 88 of 1,607,358 alleles (0.0055%); highest among the groups gnomAD compares: Non-Finnish European, 0.0073%; no homozygotes.

Submissions (3):

Labcorp Genetics (formerly Invitae), Labcorp
Classification: Uncertain significance. Last evaluated: 2022-09-14. Review status: criteria provided, single submitter. Criteria: Invitae Variant Classification Sherloc (09022015). Collection method: clinical testing. Allele origin: germline.
Comment: This sequence change replaces valine, which is neutral and non-polar, with leucine, which is neutral and non-polar, at codon 42 of the RUNX2 protein (p.Val42Leu). This variant is present in population databases (rs753332305, gnomAD 0.004%). This variant has not been reported in the literature in individuals affected with RUNX2-related conditions. ClinVar contains an entry for this variant (Variation ID: 911152). Advanced modeling of protein sequence and biophysical properties (such as structural, functional, and spatial information, amino acid conservation, physicochemical variation, residue mobility, and thermodynamic stability) performed at Invitae indicates that this missense variant is not expected to disrupt RUNX2 protein function. In summary, the available evidence is currently insufficient to determine the role of this variant in disease. Therefore, it has been classified as a Variant of Uncertain Significance.

Ambry Genetics
Classification: Uncertain significance for Inborn genetic diseases. Last evaluated: 2022-04-08. Review status: criteria provided, single submitter. Criteria: Ambry Variant Classification Scheme 2023. Collection method: clinical testing. Allele origin: germline.

Illumina Laboratory Services, Illumina
Classification: Benign for Cleidocranial dysostosis. Last evaluated: 2018-01-13. Review status: criteria provided, single submitter. Criteria: ICSL Variant Classification Criteria 13 December 2019. Collection method: clinical testing. Allele origin: germline.
Comment: This variant was observed in the ICSL laboratory as part of a predisposition screen in an ostensibly healthy population. It had not been previously curated by ICSL or reported in the Human Gene Mutation Database (HGMD: prior to June 1st, 2018), and was therefore a candidate for classification through an automated scoring system. Utilizing variant allele frequency, disease prevalence and penetrance estimates, and inheritance mode, an automated score was calculated to assess if this variant is too frequent to cause the disease. Based on the score and internal cut-off values, a variant classified as benign is not then subjected to further curation. The score for this variant resulted in a classification of benign for this disease.

NM_001024630.4(RUNX2):c.124G>T (p.Val42Leu)

Gene: RUNX2 (RUNX family transcription factor 2; plus strand). Cytogenetic location: 6p21.1.
Variant type: single nucleotide variant.
Coding change: c.124G>T on transcript NM_001024630.4 (MANE Select); coding-DNA position 124, G replaced by T.
Protein change: p.Val42Leu; replaces valine 42 with leucine.
Molecular consequence: missense variant.
Genome position (GRCh38, 1-based): chr6:45,422,658, G>T. VCF-style: chr6-45422658-G-T. GRCh37 (hg19) VCF-style: chr6-45390395-G-T.
Other names: c.124G>T, p.Val42Leu (NM_001015051.4); c.82G>T, p.Val28Leu (NM_001278478.2, NM_001369405.1); short protein forms V42L, V28L.
Identifiers: ClinVar variation 911152 (VCV000911152.9), dbSNP rs753332305, ClinGen allele CA3836263.
Genomic context (GRCh38, chr6:45,422,658, plus strand): 5'-AGCACCAGCCGGCGCTTCAGCCCCCCCTCCAGCAGCCTGCAGCCCGGCAAAATGAGCGAC[G>T]TGAGCCCGGTGGTGGCTGCGCAACAGCAGCAGCAACAGCAGCAGCAGCAACAGCAGCAGC-3'
Protein context (NP_001019801.3, residues 32-52): SSLQPGKMSD[Val42Leu]SPVVAAQQQQ